The following is an entry in ClinVar:

ClinVar aggregate classification (germline): Uncertain significance. Review status: criteria provided, multiple submitters, no conflicts (2 of 4 stars). 3 submissions from 3 submitters: Uncertain significance (2). 1 of the submissions does not count toward it. Last evaluated 2024-08-02.

Conditions:
Retinal dystrophy. Also called: Inherited retinal dystrophy. Identifiers: Orphanet 71862, MedGen C0854723, MeSH D058499, MONDO:0019118, HP:0000556.

Allele frequency attached by ClinVar (database versions not stated): gnomAD 0.00001; TOPMed 0.00001; gnomAD exomes 0.00002 and 0.00004; ExAC 0.00005.

Submissions (3):

Blueprint Genetics
Classification: Uncertain significance. Last evaluated: 2024-08-02. Review status: criteria provided, single submitter. Criteria: ACMG Guidelines, 2015. Collection method: clinical testing. Allele origin: germline.

Labcorp Genetics (formerly Invitae), Labcorp
Classification: Uncertain significance. Last evaluated: 2024-05-04. Review status: criteria provided, single submitter. Criteria: Invitae Variant Classification Sherloc (09022015). Collection method: clinical testing. Allele origin: germline.
Comment: This sequence change replaces arginine, which is basic and polar, with cysteine, which is neutral and slightly polar, at codon 407 of the IMPDH1 protein (p.Arg407Cys). The frequency data for this variant in the population databases is considered unreliable, as metrics indicate poor data quality at this position in the gnomAD database. This variant has not been reported in the literature in individuals affected with IMPDH1-related conditions. ClinVar contains an entry for this variant (Variation ID: 1413249). An algorithm developed to predict the effect of missense changes on protein structure and function (PolyPhen-2) suggests that this variant is likely to be disruptive. In summary, the available evidence is currently insufficient to determine the role of this variant in disease. Therefore, it has been classified as a Variant of Uncertain Significance.

Institute of Human Genetics, Univ. Regensburg, Univ. Regensburg
Classification: Uncertain significance for Retinal dystrophy. Last evaluated: 2020-01-01. Review status: no assertion criteria provided. Criteria: ACMG Guidelines, 2015. Collection method: clinical testing. Allele origin: germline. Affected: yes. Not counted in ClinVar's aggregate classification.

NM_000883.4(IMPDH1):c.1219C>T (p.Arg407Cys)

Gene: IMPDH1 (inosine monophosphate dehydrogenase 1; minus strand). Cytogenetic location: 7q32.1.
Variant type: single nucleotide variant.
Coding change: c.1219C>T on transcript NM_000883.4 (MANE Select); coding-DNA position 1219, C replaced by T.
Protein change: p.Arg407Cys; replaces arginine 407 with cysteine.
Molecular consequence: missense variant.
Genome position (GRCh38, 1-based): chr7:128,396,642, G>A on the plus strand (C>T on the coding strand, the complement: IMPDH1 is on the minus strand). VCF-style: chr7-128396642-G-A. GRCh37 (hg19) VCF-style: chr7-128036696-G-A.
Other names: c.1189C>T, p.Arg397Cys (NM_001102605.2); c.964C>T, p.Arg322Cys (NM_001142573.2); c.949C>T, p.Arg317Cys (NM_001142574.2); c.889C>T, p.Arg297Cys (NM_001142575.2); c.1120C>T, p.Arg374Cys (NM_001142576.2); c.1012C>T, p.Arg338Cys (NM_001304521.2); c.1111C>T, p.Arg371Cys (NM_183243.3); short protein forms R297C, R338C, R317C, R374C, R371C, R397C, R407C, R322C.
Identifiers: ClinVar variation 1413249 (VCV001413249.8), dbSNP rs758941308, ClinGen allele CA4470900.